The following is an entry in ClinVar:

NM_000261.2(MYOC):c.1456C>T (p.Leu486Phe)

Gene: MYOC (myocilin; minus strand). Cytogenetic location: 1q24.3.
Variant type: single nucleotide variant.
Coding change: c.1456C>T on transcript NM_000261.2 (MANE Select); coding-DNA position 1456, C replaced by T.
Protein change: p.Leu486Phe; replaces leucine 486 with phenylalanine.
Molecular consequence: missense variant.
Genome position (GRCh38, 1-based): chr1:171,635,984, G>A on the plus strand (C>T on the coding strand, the complement: MYOC is on the minus strand). VCF-style: chr1-171635984-G-A. GRCh37 (hg19) VCF-style: chr1-171605124-G-A.
Other names: NM_000261.2:c.1456C>T; short protein forms L486F.
Identifiers: ClinVar variation 1810378 (VCV001810378.2), dbSNP rs2527838026, ClinGen allele CA343723062.
Genomic context (GRCh38, chr1:171,635,984, plus strand): 5'-TTCACATCTTGGAGAGCTTGATGTCATAAGTGACCATGTTCAAGTTGTCCCAGGCAAAGA[G>A]CTTCTTCTCCAGGGGGTTGTAGTCAATCATGCTGCTGTACTTATAGCGGTTCTTGAATGG-3'
Protein context (NP_000252.1, residues 476-496): MIDYNPLEKK[Leu486Phe]FAWDNLNMVT

ClinVar aggregate classification (germline): Likely pathogenic (3 of 4 stars; one submission).

Conditions:
Open-angle glaucoma. Identifiers: MedGen C0017612, MONDO:0005338, HP:0012108.

Submission:

ClinGen Glaucoma Variant Curation Expert Panel
Classification: Likely pathogenic for Open-angle glaucoma. Last evaluated: 2026-02-18. Review status: reviewed by expert panel. Criteria: ClinGen Glaucoma ACMG Specifications V2.0.0 Approved. Collection method: curation. Allele origin: germline. Inheritance: Autosomal dominant inheritance.
Comment: The c.1456C>T variant in MYOC is a missense variant predicted to cause substitution of Leucine by Phenylalanine at amino acid 486 (p.Leu486Phe). This variant was not found in any genetic ancestry group of gnomAD (v4.1.0), meeting the ≤ 0.0001 threshold set for PM2_Supporting in a genetic ancestry group of at least 10,000 alleles. The REVEL score = 0.891, which was within the 0.773-0.931 range for PP3_Moderate, predicting a damaging effect on MYOC function. The assay in this study (PMID: 40081751), measuring secretion of the Leu486Phe protein, did not meet the OddsPath threshold for PS3_Supporting (> 2.1). 5 segregations in 1 family, with juvenile open angle glaucoma (JOAG), have been reported (PMID: 27900994), which fulfilled PP1_Moderate (5-6 meioses). 3 probands with JOAG or POAG (primary open angle glaucoma) have been reported carrying this variant (PMIDs: 24825108, 37032519, 27900994), which met PS4_Supporting (≥ 2 probands). In summary, this variant met the criteria to receive a score of 6 and to be classified as likely pathogenic (likely pathogenic classification range 6 to 9, adapted from PMID: 32720330) for juvenile open angle glaucoma based on the ACMG/AMP criteria met, as specified by the ClinGen Glaucoma VCEP (v2.0.0, 5 Dec 2024): PP1_Moderate, PP3_Moderate, PS4_Supporting, PM2_Supporting